The following is an entry in ClinVar:

NM_032271.3(TRAF7):c.1066C>T (p.Arg356Trp)

Gene: TRAF7 (TNF receptor associated factor 7; plus strand). Cytogenetic location: 16p13.3.
Variant type: single nucleotide variant.
Coding change: c.1066C>T on transcript NM_032271.3 (MANE Select); coding-DNA position 1066, C replaced by T.
Protein change: p.Arg356Trp; replaces arginine 356 with tryptophan.
Molecular consequence: missense variant.
Genome position (GRCh38, 1-based): chr16:2,173,534, C>T. VCF-style: chr16-2173534-C-T. GRCh37 (hg19) VCF-style: chr16-2223535-C-T.
Other names: short protein forms R356W.
Identifiers: ClinVar variation 4988656 (VCV004988656.1).

ClinVar aggregate classification (germline): Uncertain significance (1 of 4 stars; one submission).

Conditions:
TRAF7-related disorder. Also called: TRAF7-related condition.

Submission:

PreventionGenetics, part of Exact Sciences
Classification: Uncertain significance for TRAF7-related condition. Last evaluated: 2026-08-10. Review status: criteria provided, single submitter. Criteria: ACMG Guidelines, 2015. Collection method: clinical testing. Allele origin: germline.
Comment: The TRAF7 c.1066C>T variant is predicted to result in the amino acid substitution p.Arg356Trp. To our knowledge, this variant has not been reported in the literature or in a large population database (gnomAD), indicating this variant is rare. This variant is predicted to alter splicing based on available splicing prediction programs (SpliceAI, Jaganathan et al. 2019. PubMed ID: 30661751). However, the use of computer prediction programs is not equivalent to functional evidence. At this time, the clinical significance of this variant is uncertain due to the absence of conclusive functional and genetic evidence.